The following is an entry in ClinVar:

NM_000338.3(SLC12A1):c.628+1G>A

Gene: SLC12A1 (solute carrier family 12 member 1; plus strand). Cytogenetic location: 15q21.1.
Variant type: single nucleotide variant.
Coding change: c.628+1G>A on transcript NM_000338.3 (MANE Select); the canonical splice donor site of the intron after coding-DNA position 628, G replaced by A.
Molecular consequence: splice donor variant.
Genome position (GRCh38, 1-based): chr15:48,220,997, G>A. VCF-style: chr15-48220997-G-A. GRCh37 (hg19) VCF-style: chr15-48513194-G-A.
Other names: c.628+1G>A (NM_001384136.1, NM_001184832.2).
Identifiers: ClinVar variation 2815048 (VCV002815048.3), dbSNP rs2041206341, ClinGen allele CA392305092.

ClinVar aggregate classification (germline): Likely pathogenic (1 of 4 stars; one submission).

Submission:

Labcorp Genetics (formerly Invitae), Labcorp
Classification: Likely pathogenic. Last evaluated: 2022-11-18. Review status: criteria provided, single submitter. Criteria: Invitae Variant Classification Sherloc (09022015). Collection method: clinical testing. Allele origin: germline.
Comment: In summary, the currently available evidence indicates that the variant is pathogenic, but additional data are needed to prove that conclusively. Therefore, this variant has been classified as Likely Pathogenic. Algorithms developed to predict the effect of sequence changes on RNA splicing suggest that this variant may disrupt the consensus splice site. This variant has not been reported in the literature in individuals affected with SLC12A1-related conditions. This variant is not present in population databases (gnomAD no frequency). This sequence change affects a donor splice site in intron 4 of the SLC12A1 gene. It is expected to disrupt RNA splicing. Variants that disrupt the donor or acceptor splice site typically lead to a loss of protein function (PMID: 16199547), and loss-of-function variants in SLC12A1 are known to be pathogenic (PMID: 8640224, 9585600, 19096086).

Literature cited by the submitters: PubMed 16199547; PubMed 8640224; PubMed 9585600; PubMed 19096086.